The following is an entry in ClinVar:

NM_017871.6(INTS11):c.1418C>T (p.Ala473Val)

Gene: INTS11 (integrator complex subunit 11; minus strand). Cytogenetic location: 1p36.33.
Variant type: single nucleotide variant.
Coding change: c.1418C>T on transcript NM_017871.6 (MANE Select); coding-DNA position 1418, C replaced by T.
Protein change: p.Ala473Val; replaces alanine 473 with valine.
Molecular consequence: missense variant.
Genome position (GRCh38, 1-based): chr1:1,312,486, G>A on the plus strand (C>T on the coding strand, the complement: INTS11 is on the minus strand). VCF-style: chr1-1312486-G-A. GRCh37 (hg19) VCF-style: chr1-1247866-G-A.
Other names: NC_000001.10:g.1247866G>A; c.1436C>T (NM_001256456.1); c.1436C>T, p.Ala479Val (NM_001256456.2); c.1331C>T, p.Ala444Val (NM_001256460.2); c.1124C>T, p.Ala375Val (NM_001256462.2); c.1115C>T, p.Ala372Val (NM_001256463.2); short protein forms A372V, A444V, A375V, A473V, A479V.
Identifiers: ClinVar variation 3110091 (VCV003110091.5), dbSNP rs369432324, ClinGen allele CA517378.

ClinVar aggregate classification (germline): Conflicting classifications of pathogenicity. Review status: criteria provided, conflicting classifications (1 of 4 stars). 3 submissions from 3 submitters: Uncertain significance (1); Likely benign (2). Last evaluated 2026-06-01.

Conditions:
INTS11-related condition.

Allele frequency attached by ClinVar (database versions not stated): gnomAD 0.00017; TOPMed 0.00023; ExAC 0.00030; 1000 Genomes Project 30x 0.00031; 1000 Genomes Project 0.00040.
gnomAD v4.1: 228 of 1,579,984 alleles (0.014%); highest among the groups gnomAD compares: East Asian, 0.15%; 9 homozygotes.

Submissions (4):

CeGaT Center for Human Genetics Tuebingen
Classification: Likely benign. Last evaluated: 2026-06-01. Review status: criteria provided, single submitter. Criteria: CeGaT Center For Human Genetics Tuebingen Variant Classification Criteria Version 2. Collection method: clinical testing. Allele origin: germline. Affected: yes. Observed: 1 variant allele.
Comment: INTS11: BP4, BS2

PreventionGenetics, part of Exact Sciences
Classification: Likely benign for INTS11-related condition. Last evaluated: 2024-10-04. Review status: criteria provided, single submitter. Criteria: ACMG Guidelines, 2015. Collection method: clinical testing. Allele origin: germline.
Comment: This variant is classified as likely benign based on ACMG/AMP sequence variant interpretation guidelines (Richards et al. 2015 PMID: 25741868, with internal and published modifications).

Ambry Genetics
Classification: Uncertain significance. Last evaluated: 2021-10-12. Review status: criteria provided, single submitter. Criteria: Ambry Variant Classification Scheme 2023. Collection method: clinical testing. Allele origin: germline.

Dr. Peter K. Rogan Lab, Western University
No classification provided (evidence only). Condition: Gastric cancer. Review status: no classification provided. Collection method: in vitro. Allele origin: not applicable. Functional consequence: retained intron. Not counted in ClinVar's aggregate classification.